The following is an entry in ClinVar:

NM_025081.3(NYNRIN):c.3878G>T (p.Arg1293Leu)

Gene: NYNRIN (NYN domain and retroviral integrase containing; plus strand). Cytogenetic location: 14q12.
Variant type: single nucleotide variant.
Coding change: c.3878G>T on transcript NM_025081.3 (MANE Select); coding-DNA position 3878, G replaced by T.
Protein change: p.Arg1293Leu; replaces arginine 1293 with leucine.
Molecular consequence: missense variant.
Genome position (GRCh38, 1-based): chr14:24,415,627, G>T. VCF-style: chr14-24415627-G-T. GRCh37 (hg19) VCF-style: chr14-24884833-G-T.
Other names: short protein forms R1293L.
Identifiers: ClinVar variation 2987354 (VCV002987354.3), dbSNP rs2042939926, ClinGen allele CA389305886.
Genomic context (GRCh38, chr14:24,415,627, plus strand): 5'-CCCTCCTCCAGGGCCTGCTGGGGGAGAACCGCCTGCTCACCCCCGCGGCCTCCATGCCTC[G>T]CTTCTTCCAGGTTCTGCCGCCTTTCTCTGACCTGTCCACGTTCGTCTGCATCCACATGTC-3'
Protein context (NP_079357.2, residues 1283-1303): RLLTPAASMP[Arg1293Leu]FFQVLPPFSD

ClinVar aggregate classification (germline): Uncertain significance (1 of 4 stars; one submission).

Submission:

Labcorp Genetics (formerly Invitae), Labcorp
Classification: Uncertain significance. Last evaluated: 2024-01-17. Review status: criteria provided, single submitter. Criteria: Invitae Variant Classification Sherloc (09022015). Collection method: clinical testing. Allele origin: germline.
Comment: This sequence change replaces arginine, which is basic and polar, with leucine, which is neutral and non-polar, at codon 1293 of the NYNRIN protein (p.Arg1293Leu). This variant is not present in population databases (gnomAD no frequency). This variant has not been reported in the literature in individuals affected with NYNRIN-related conditions. Algorithms developed to predict the effect of sequence changes on RNA splicing suggest that this variant may create or strengthen a splice site. In summary, the available evidence is currently insufficient to determine the role of this variant in disease. Therefore, it has been classified as a Variant of Uncertain Significance.